The following is an entry in ClinVar:

ClinVar aggregate classification (germline): Conflicting classifications of pathogenicity. Review status: criteria provided, conflicting classifications (1 of 4 stars). 5 submissions from 5 submitters: Uncertain significance (3); Likely benign (1). 1 of the submissions does not count toward it. Last evaluated 2026-01-09.

Conditions:
Hereditary cancer-predisposing syndrome. Also called: Tumor predisposition; Hereditary Cancer Syndrome; Neoplastic Syndromes, Hereditary; Hereditary neoplastic syndrome. Identifiers: Orphanet 140162, MedGen C0027672, MeSH D009386, MONDO:0015356.
Hereditary breast ovarian cancer syndrome. Also called: Hereditary breast and ovarian cancer; Hereditary breast and/or ovarian cancer syndrome; BRCA1- and BRCA2-Associated Hereditary Breast and Ovarian Cancer; Hereditary breast and ovarian cancer syndrome; Hereditary breast and ovarian cancer syndrome (HBOC); Breast and ovarian cancer. Identifiers: Orphanet 145, MedGen C0677776, MeSH D061325, MONDO:0003582. Disease mechanism: loss of function.
Breast-ovarian cancer, familial, susceptibility to, 2 (BROVCA2). Also called: BRCA2 Hereditary Breast and Ovarian Cancer. Identifiers: Orphanet 145, MedGen C2675520, MONDO:0012933, OMIM 612555. Disease mechanism: loss of function.

Allele frequency attached by ClinVar (database versions not stated): gnomAD exomes below 0.00001; TOPMed 0.00001.
gnomAD v4.1: 1 of 1,613,972 alleles (0.000062%); highest among the groups gnomAD compares: Non-Finnish European, 0.000085%; no homozygotes.

Submissions (5):

Women's Health and Genetics/Laboratory Corporation of America, LabCorp
Classification: Uncertain significance. Last evaluated: 2026-01-09. Review status: criteria provided, single submitter. Criteria: LabCorp Variant Classification Summary - May 2015. Collection method: clinical testing. Allele origin: germline.
Comment: Variant summary: BRCA2 c.5987C>T (p.Ala1996Val) results in a non-conservative amino acid change in the encoded protein sequence. Algorithms developed to predict the effect of missense changes on protein structure and function all suggest that this variant is likely to be disruptive. The variant was absent in 250540 control chromosomes. The available data on variant occurrences in the general population are insufficient to allow any conclusion about variant significance. To our knowledge, no occurrence of c.5987C>T in individuals affected with BRCA2-related conditions and no experimental evidence demonstrating its impact on protein function have been reported. ClinVar contains an entry for this variant (Variation ID: 126086). Based on the evidence outlined above, the variant was classified as uncertain significance.

Labcorp Genetics (formerly Invitae), Labcorp
Classification: Uncertain significance for Hereditary breast ovarian cancer syndrome. Last evaluated: 2025-02-10. Review status: criteria provided, single submitter. Criteria: Invitae Variant Classification Sherloc (09022015). Collection method: clinical testing. Allele origin: germline.
Comment: This sequence change replaces alanine, which is neutral and non-polar, with valine, which is neutral and non-polar, at codon 1996 of the BRCA2 protein (p.Ala1996Val). This variant is not present in population databases (gnomAD no frequency). This variant has not been reported in the literature in individuals affected with BRCA2-related conditions. ClinVar contains an entry for this variant (Variation ID: 126086). Invitae Evidence Modeling of protein sequence and biophysical properties (such as structural, functional, and spatial information, amino acid conservation, physicochemical variation, residue mobility, and thermodynamic stability) indicates that this missense variant is not expected to disrupt BRCA2 protein function with a negative predictive value of 95%. In summary, the available evidence is currently insufficient to determine the role of this variant in disease. Therefore, it has been classified as a Variant of Uncertain Significance.

Ambry Genetics
Classification: Uncertain significance for Hereditary cancer-predisposing syndrome. Last evaluated: 2023-10-26. Review status: criteria provided, single submitter. Criteria: Ambry Variant Classification Scheme 2023. Collection method: clinical testing. Allele origin: germline.
Comment: The p.A1996V variant (also known as c.5987C>T), located in coding exon 10 of the BRCA2 gene, results from a C to T substitution at nucleotide position 5987. The alanine at codon 1996 is replaced by valine, an amino acid with similar properties. This amino acid position is well conserved in available vertebrate species. In addition, the in silico prediction for this alteration is inconclusive. Since supporting evidence is limited at this time, the clinical significance of this alteration remains unclear.

University of Washington Department of Laboratory Medicine, University of Washington
Classification: Likely benign for Hereditary cancer-predisposing syndrome. Last evaluated: 2023-03-23. Review status: criteria provided, single submitter. Criteria: Dines et al. (Genet Med. 2020). Collection method: curation. Allele origin: germline.
Comment: Missense variant in a coldspot region where missense variants are very unlikely to be pathogenic (PMID:31911673).

BRCA2 exon 11 coldspot. Reclassification based on statistical prior probability.

Breast Cancer Information Core (BIC) (BRCA2)
Classification: Uncertain significance for Breast-ovarian cancer, familial 2. Last evaluated: 2004-02-20. Review status: no assertion criteria provided. Collection method: clinical testing. Allele origin: germline. Affected: yes. Observed: 1 variant allele. Not counted in ClinVar's aggregate classification.

NM_000059.4(BRCA2):c.5987C>T (p.Ala1996Val)

Gene: BRCA2 (BRCA2 DNA repair associated; plus strand). Cytogenetic location: 13q13.1.
Variant type: single nucleotide variant.
Coding change: c.5987C>T on transcript NM_000059.4 (MANE Select); coding-DNA position 5987, C replaced by T.
Protein change: p.Ala1996Val; replaces alanine 1996 with valine.
Molecular consequence: missense variant.
Genome position (GRCh38, 1-based): chr13:32,340,342, C>T. VCF-style: chr13-32340342-C-T. GRCh37 (hg19) VCF-style: chr13-32914479-C-T.
Other names: short protein forms A1996V.
Identifiers: ClinVar variation 126086 (VCV000126086.10), dbSNP rs80358834, ClinGen allele CA023465.